The following is an entry in ClinVar:

NM_033453.4(ITPA):c.264-1G>A

Gene: ITPA (inosine triphosphatase; plus strand). Cytogenetic location: 20p13.
Variant type: single nucleotide variant.
Coding change: c.264-1G>A on transcript NM_033453.4 (MANE Select); the canonical splice acceptor site of the intron before coding-DNA position 264, G replaced by A.
Molecular consequence: splice acceptor variant.
Genome position (GRCh38, 1-based): chr20:3,215,280, G>A. VCF-style: chr20-3215280-G-A. GRCh37 (hg19) VCF-style: chr20-3195926-G-A.
Other names: c.-74-1G>A (NM_001324237.2, NM_001324238.2, NM_001324236.2 and 1 more transcripts); c.264-1G>A (NM_001324240.2); c.141-1G>A (NM_001267623.2); c.213-1G>A (NM_181493.4).
Identifiers: ClinVar variation 1476124 (VCV001476124.9), dbSNP rs781254071, ClinGen allele CA9741249.
Genomic context (GRCh38, chr20:3,215,280, plus strand): 5'-AAAAGGTGGTAAGAAGATCCAGCTGCTCCTGGTGTCTGACTGTCCTTTCTTTCTCTTGCA[G>A]AAAGTGGTTTCTGGAGAAGTTAAAGCCTGAAGGTATTATCTGCTTTGTTTCTTCCCTGGA-3'

ClinVar aggregate classification (germline): Pathogenic/Likely pathogenic. Review status: criteria provided, multiple submitters, no conflicts (2 of 4 stars). 3 submissions from 3 submitters: Pathogenic (2); Likely pathogenic (1). Last evaluated 2026-01-24.

Conditions:
Developmental and epileptic encephalopathy, 35 (DEE35). Also called: Epileptic encephalopathy, early infantile, 35. Identifiers: Orphanet 457375, MedGen C4225256, MONDO:0014719, OMIM 616647.
Inosine triphosphatase deficiency. Also called: INOSINE TRIPHOSPHATE PYROPHOSPHOHYDROLASE DEFICIENCY. Identifiers: MedGen C0342800, MONDO:0013461, OMIM 613850.

Allele frequency attached by ClinVar (database versions not stated): gnomAD exomes 0.00001; ExAC 0.00002.

Submissions (4):

3billion
Classification: Pathogenic for Developmental and epileptic encephalopathy, 35. Last evaluated: 2026-01-24. Review status: criteria provided, single submitter. Criteria: ACMG Guidelines, 2015. Collection method: clinical testing. Allele origin: germline. Affected: yes.
Comment: The variant is observed at an extremely low frequency in the gnomAD v4.1.0 dataset (total allele frequency: <0.001%). Predicted Consequence/Location: Canonical splice site: predicted to alter splicing and result in a loss or disruption of normal protein function. Multiple pathogenic loss-of-function variants are reported downstream of the variant. In silico tools predict the variant to alter splicing and produce an abnormal transcript [SpliceAI: 1.00 (spliceogenicity >=0.2, non-spliceogenicity <0.1)]. The variant has been reported at least twice as pathogenic with clinical assertions and evidence for the classification (ClinVar ID: VCV001476124 /PMID: 32405030 /3billion dataset). Therefore, this variant is classified as Pathogenic according to the recommendation of ACMG/AMP guideline.

Broad Center for Mendelian Genomics, Broad Institute of MIT and Harvard
Classification: Pathogenic for Developmental and epileptic encephalopathy, 35. Last evaluated: 2023-05-02. Review status: criteria provided, single submitter. Criteria: ACMG Guidelines, 2015. Collection method: curation. Allele origin: germline. Inheritance: Autosomal recessive inheritance.
Comment: The c.264-1G>A variant in ITPA has been previously reported in one individual with developmental and epileptic encephalopathy 35 (PMID: 32405030) but has been identified in 0.0009% (1/113734) of European (non-Finnish) chromosomes by the Genome Aggregation Database (gnomAD; dbSNP ID: rs781254071). Although this variant has been seen in the general population in a heterozygous state, its frequency is low enough to be consistent with a recessive carrier frequency. This variant has also been reported in ClinVar (Variation ID: 1476124) and has been interpreted as pathogenic by 3billion and as likely pathogenic by Invitae. The individual previously reported (PMID: 32405030) and the individual identified by our study were homozygotes, which increases the likelihood that the c.264-1G>A variant is pathogenic. This variant is located in the 3' splice region. Computational tools predict a splicing impact, though this information is not predictive enough to determine pathogenicity. A different nucleotide change that also results in a splice acceptor variant at the same site, c.264-1G>C (ClinVar Variation ID: 940510), has been previously reported pathogenic, and the variant being assessed here, c.264-1G>A, is predicted by SpliceAI to have a similar effect on splicing. Loss of function of the ITPA gene is an established disease mechanism in autosomal recessive developmental and epileptic encephalopathy 35. In summary, this variant meets criteria to be classified as pathogenic for autosomal recessive developmental and epileptic encephalopathy 35. ACMG/AMP Criteria applied: PVS1, PS1_Supporting, PM2_Supporting, PM3 (Richards 2015).

Labcorp Genetics (formerly Invitae), Labcorp
Classification: Likely pathogenic for Inosine triphosphatase deficiency. Last evaluated: 2021-08-12. Review status: criteria provided, single submitter. Criteria: Invitae Variant Classification Sherloc (09022015). Collection method: clinical testing. Allele origin: germline.

Dr. Peter K. Rogan Lab, Western University
No classification provided (evidence only). Condition: Ovarian serous cystadenocarcinoma. Review status: no classification provided. Collection method: in vitro. Allele origin: not applicable. Functional consequence: retained intron. Not counted in ClinVar's aggregate classification.

Literature cited by the submitters: PubMed 32405030 (cited by 3billion).